The following is an entry in ClinVar:

NM_004304.5(ALK):c.3601_3602insA (p.Gly1201fs)

Gene: ALK (ALK receptor tyrosine kinase; minus strand). Cytogenetic location: 2p23.2.
Variant type: Insertion.
Coding change: c.3601_3602insA on transcript NM_004304.5 (MANE Select); coding-DNA positions 3601 to 3602, A inserted.
Protein change: p.Gly1201fs; shifts the reading frame from glycine 1201.
Molecular consequence: frameshift variant.
Genome position: GRCh38 VCF-style: chr2-29220749-C-CT. GRCh37 (hg19) VCF-style: chr2-29443615-C-CT.
Other names: c.397_398insA, p.Gly133fs (NM_001353765.2); short protein forms G133fs, G1201fs.
Identifiers: ClinVar variation 3522916 (VCV003522916.3).

ClinVar aggregate classification (germline): Uncertain significance. Review status: criteria provided, multiple submitters, no conflicts (2 of 4 stars). 2 submissions from 2 submitters: Uncertain significance (2). Last evaluated 2024-07-06.

Conditions:
Neuroblastoma, susceptibility to, 3. Also called: ALK-Related Neuroblastic Tumor Susceptibility. Identifiers: Orphanet 635, MedGen C2751681, MONDO:0013083, OMIM 613014.
Hereditary cancer-predisposing syndrome. Also called: Hereditary Cancer Syndrome; Hereditary neoplastic syndrome; Neoplastic Syndromes, Hereditary; Tumor predisposition. Identifiers: Orphanet 140162, MedGen C0027672, MeSH D009386, MONDO:0015356.

Submissions (2):

Ambry Genetics
Classification: Uncertain significance for Hereditary cancer-predisposing syndrome. Last evaluated: 2024-07-06. Review status: criteria provided, single submitter. Criteria: Ambry Variant Classification Scheme 2023. Collection method: clinical testing. Allele origin: germline.
Comment: The c.3601_3602insA variant, located in coding exon 23 of the ALK gene, results from an insertion of one nucleotide at position 3601, causing a translational frameshift with a predicted alternate stop codon (p.G1201Efs*84). However, loss of function of ALK has not been established as a mechanism of disease. Based on the available evidence, the clinical significance of this alteration remains unclear.

Labcorp Genetics (formerly Invitae), Labcorp
Classification: Uncertain significance for Neuroblastoma, susceptibility to, 3. Last evaluated: 2024-02-29. Review status: criteria provided, single submitter. Criteria: Invitae Variant Classification Sherloc (09022015). Collection method: clinical testing. Allele origin: germline.
Comment: This sequence change creates a premature translational stop signal (p.Gly1201Glufs*84) in the ALK gene. It is expected to result in an absent or disrupted protein product. However, the current clinical and genetic evidence is not sufficient to establish whether loss-of-function variants in ALK cause disease. This variant is not present in population databases (gnomAD no frequency). This variant has not been reported in the literature in individuals affected with ALK-related conditions. In summary, the available evidence is currently insufficient to determine the role of this variant in disease. Therefore, it has been classified as a Variant of Uncertain Significance.